The following is an entry in ClinVar:

ClinVar aggregate classification (germline): Uncertain significance. Review status: criteria provided, multiple submitters, no conflicts (2 of 4 stars). 2 submissions from 2 submitters: Uncertain significance (2). Last evaluated 2024-06-03.

Conditions:
PRPH2-related disorder. Also called: PRPH2-related disorders; PRPH2-related condition. Identifiers: MedGen CN239395.

Submissions (2):

Blueprint Genetics
Classification: Uncertain significance. Last evaluated: 2024-06-03. Review status: criteria provided, single submitter. Criteria: ACMG Guidelines, 2015. Collection method: clinical testing. Allele origin: germline.

Labcorp Genetics (formerly Invitae), Labcorp
Classification: Uncertain significance for PRPH2-related disorder. Last evaluated: 2023-12-13. Review status: criteria provided, single submitter. Criteria: Invitae Variant Classification Sherloc (09022015). Collection method: clinical testing. Allele origin: germline.
Comment: This sequence change replaces arginine, which is basic and polar, with glycine, which is neutral and non-polar, at codon 149 of the PRPH2 protein (p.Arg149Gly). This variant is not present in population databases (gnomAD no frequency). This variant has not been reported in the literature in individuals affected with PRPH2-related conditions. Advanced modeling of protein sequence and biophysical properties (such as structural, functional, and spatial information, amino acid conservation, physicochemical variation, residue mobility, and thermodynamic stability) has been performed at Invitae for this missense variant, however the output from this modeling did not meet the statistical confidence thresholds required to predict the impact of this variant on PRPH2 protein function. In summary, the available evidence is currently insufficient to determine the role of this variant in disease. Therefore, it has been classified as a Variant of Uncertain Significance.

NM_000322.5(PRPH2):c.445A>G (p.Arg149Gly)

Gene: PRPH2 (peripherin 2; minus strand). Cytogenetic location: 6p21.1.
Variant type: single nucleotide variant.
Coding change: c.445A>G on transcript NM_000322.5 (MANE Select); coding-DNA position 445, A replaced by G.
Protein change: p.Arg149Gly; replaces arginine 149 with glycine.
Molecular consequence: missense variant.
Genome position (GRCh38, 1-based): chr6:42,721,890, T>C on the plus strand (A>G on the coding strand, the complement: PRPH2 is on the minus strand). VCF-style: chr6-42721890-T-C. GRCh37 (hg19) VCF-style: chr6-42689628-T-C.
Other names: short protein forms R149G.
Identifiers: ClinVar variation 2702683 (VCV002702683.4), dbSNP rs750164572, ClinGen allele CA364137547.